The following is an entry in ClinVar:

ClinVar aggregate classification (germline): Uncertain significance (1 of 4 stars; one submission).

Conditions:
Hereditary cancer-predisposing syndrome. Also called: Neoplastic Syndromes, Hereditary; Tumor predisposition; Hereditary neoplastic syndrome; Hereditary Cancer Syndrome. Identifiers: Orphanet 140162, MedGen C0027672, MeSH D009386, MONDO:0015356.

Submission:

Ambry Genetics
Classification: Uncertain significance for Hereditary cancer-predisposing syndrome. Last evaluated: 2022-12-05. Review status: criteria provided, single submitter. Criteria: Ambry Variant Classification Scheme 2023. Collection method: clinical testing. Allele origin: germline.
Comment: The p.N11K variant (also known as c.33C>G), located in coding exon 2 of the MRE11A gene, results from a C to G substitution at nucleotide position 33. The asparagine at codon 11 is replaced by lysine, an amino acid with similar properties. This amino acid position is conserved. In addition, this alteration is predicted to be tolerated by in silico analysis. Since supporting evidence is limited at this time, the clinical significance of this alteration remains unclear.

NM_005591.4(MRE11):c.33C>G (p.Asn11Lys)

Gene: MRE11 (MRE11 double strand break repair nuclease; minus strand). Cytogenetic location: 11q21.
Variant type: single nucleotide variant.
Coding change: c.33C>G on transcript NM_005591.4 (MANE Select); coding-DNA position 33, C replaced by G.
Protein change: p.Asn11Lys; replaces asparagine 11 with lysine.
Molecular consequence: missense variant.
Genome position (GRCh38, 1-based): chr11:94,490,953, G>C on the plus strand (C>G on the coding strand, the complement: MRE11 is on the minus strand). VCF-style: chr11-94490953-G-C. GRCh37 (hg19) VCF-style: chr11-94224119-G-C.
Other names: c.33C>G, p.Asn11Lys (NM_001330347.2, NM_005590.4); short protein forms N11K.
Identifiers: ClinVar variation 2451358 (VCV002451358.2), dbSNP rs746088302, ClinGen allele CA382381130.